The following is an entry in ClinVar:

NM_000138.5(FBN1):c.4293C>T (p.Cys1431=)

Genes: FBN1 (fibrillin 1; minus strand), LOC126862124 (CDK7 strongly-dependent group 2 enhancer GRCh37_chr15:48764566-48765765; plus strand). Cytogenetic location: 15q21.1.
Variant type: single nucleotide variant.
Coding change: c.4293C>T on transcript NM_000138.5 (MANE Select); coding-DNA position 4293, C replaced by T.
Protein change: p.Cys1431=; no amino-acid change (cysteine 1431 retained).
Molecular consequence: synonymous variant.
Genome position (GRCh38, 1-based): chr15:48,472,594, G>A on the plus strand (C>T on the coding strand, the complement: FBN1 is on the minus strand). VCF-style: chr15-48472594-G-A. GRCh37 (hg19) VCF-style: chr15-48764791-G-A.
Identifiers: ClinVar variation 457208 (VCV000457208.20), dbSNP rs112375043, ClinGen allele CA052428.
Genomic context (GRCh38, chr15:48,472,594, plus strand): 5'-GCTTCCCCATCAGTTACCTTCACAGGCTTTCCCGTCAGCACTGGGCACGAAGCCCATGTC[G>A]CATTCACAGCGGTATCCTCCTGGTGCATTGAGGCACTGGCCATTGCCACAGAGATTCAGG-3'
Protein context (NP_000129.3, residues 1421-1441): LNAPGGYRCE[Cys1431=]DMGFVPSADG

ClinVar aggregate classification (germline): Likely benign. Review status: criteria provided, multiple submitters, no conflicts (2 of 4 stars). 5 submissions from 5 submitters: Likely benign (5). Last evaluated 2026-01-01.

Conditions:
Marfan syndrome (MFS). Also called: MARFAN SYNDROME, TYPE I; Marfan's syndrome; Marfan syndrome, classic; Marfan syndrome type 1; FBN1-Related Marfan Syndrome. Identifiers: Orphanet 284963, Orphanet 558, MedGen C0024796, MONDO:0007947, OMIM 154700.
Familial thoracic aortic aneurysm and aortic dissection (TAAD). Also called: Thoracic aortic aneurysms and dissections. Identifiers: Orphanet 91387, MedGen C4707243, MONDO:0019625.

Allele frequency attached by ClinVar (database versions not stated): gnomAD below 0.00001 and 0.00003; TOPMed 0.00001; ExAC 0.00003; gnomAD exomes 0.00004; 1000 Genomes Project 30x 0.00016; 1000 Genomes Project 0.00020.
gnomAD v4.1: 59 of 1,614,040 alleles (0.0037%); highest among the groups gnomAD compares: East Asian, 0.045%; no homozygotes.

Submissions (5):

CeGaT Center for Human Genetics Tuebingen
Classification: Likely benign. Last evaluated: 2026-01-01. Review status: criteria provided, single submitter. Criteria: CeGaT Center For Human Genetics Tuebingen Variant Classification Criteria Version 2. Collection method: clinical testing. Allele origin: germline. Affected: yes. Observed: 1 variant allele.
Comment: FBN1: BP4, BP7

Labcorp Genetics (formerly Invitae), Labcorp
Classification: Likely benign for Marfan syndrome; Familial thoracic aortic aneurysm and aortic dissection. Last evaluated: 2025-11-15. Review status: criteria provided, single submitter. Criteria: Invitae Variant Classification Sherloc (09022015). Collection method: clinical testing. Allele origin: germline.

Ambry Genetics
Classification: Likely benign for Familial thoracic aortic aneurysm and aortic dissection. Last evaluated: 2024-06-09. Review status: criteria provided, single submitter. Criteria: Ambry Variant Classification Scheme 2023. Collection method: clinical testing. Allele origin: germline.

All of Us Research Program, National Institutes of Health
Classification: Likely benign for Marfan syndrome. Last evaluated: 2023-12-01. Review status: criteria provided, single submitter. Criteria: ACMG Guidelines, 2015. Collection method: clinical testing. Allele origin: germline. Inheritance: Autosomal dominant inheritance. Observed: 2 variant alleles, 2 heterozygotes.
Comment: This study involves interpretation of variants in research participants for the purpose of population health screening. Participant phenotype was not available at the time of variant classification. Additional details can be found in publication PMID: 35346344, PMCID: PMC8962531

Color Diagnostics, LLC DBA Color Health
Classification: Likely benign for Familial thoracic aortic aneurysm and aortic dissection. Last evaluated: 2018-04-07. Review status: criteria provided, single submitter. Criteria: ACMG Guidelines, 2015. Collection method: clinical testing. Allele origin: germline.